The following is an entry in ClinVar:

ClinVar aggregate classification (germline): Uncertain significance (1 of 4 stars; one submission).

Conditions:
Growth hormone insensitivity with immune dysregulation 1, autosomal recessive. Also called: Laron syndrome with immunodeficiency; GROWTH HORMONE INSENSITIVITY DUE TO POSTRECEPTOR DEFECT; LARON SYNDROME DUE TO POSTRECEPTOR DEFECT; GROWTH HORMONE INSENSITIVITY SYNDROME WITH IMMUNE DYSREGULATION 1, AUTOSOMAL RECESSIVE. Identifiers: Orphanet 220465, MedGen C5435698, MONDO:0100211, OMIM 245590.

Submission:

Labcorp Genetics (formerly Invitae), Labcorp
Classification: Uncertain significance for Growth hormone insensitivity with immune dysregulation 1, autosomal recessive. Last evaluated: 2025-06-15. Review status: criteria provided, single submitter. Criteria: Invitae Variant Classification Sherloc (09022015). Collection method: clinical testing. Allele origin: germline.
Comment: This sequence change replaces glutamic acid, which is acidic and polar, with lysine, which is basic and polar, at codon 433 of the STAT5B protein (p.Glu433Lys). This variant is present in population databases (rs751798472, gnomAD 0.0009%). This variant has not been reported in the literature in individuals affected with STAT5B-related conditions. Invitae Evidence Modeling of protein sequence and biophysical properties (such as structural, functional, and spatial information, amino acid conservation, physicochemical variation, residue mobility, and thermodynamic stability) has been performed for this missense variant. However, the output from this modeling did not meet the statistical confidence thresholds required to predict the impact of this variant on STAT5B protein function. In summary, the available evidence is currently insufficient to determine the role of this variant in disease. Therefore, it has been classified as a Variant of Uncertain Significance.

NM_012448.4(STAT5B):c.1297G>A (p.Glu433Lys)

Gene: STAT5B (signal transducer and activator of transcription 5B; minus strand). Cytogenetic location: 17q21.2.
Variant type: single nucleotide variant.
Coding change: c.1297G>A on transcript NM_012448.4 (MANE Select); coding-DNA position 1297, G replaced by A.
Protein change: p.Glu433Lys; replaces glutamic acid 433 with lysine.
Molecular consequence: missense variant.
Genome position (GRCh38, 1-based): chr17:42,217,243, C>T on the plus strand (G>A on the coding strand, the complement: STAT5B is on the minus strand). VCF-style: chr17-42217243-C-T. GRCh37 (hg19) VCF-style: chr17-40369261-C-T.
Other names: short protein forms E433K.
Identifiers: ClinVar variation 4742405 (VCV004742405.1).